The following is an entry in ClinVar:

ClinVar aggregate classification (germline): Uncertain significance. Review status: criteria provided, multiple submitters, no conflicts (2 of 4 stars). 2 submissions from 2 submitters: Uncertain significance (2). Last evaluated 2025-07-03.

Conditions:
Colorectal cancer, hereditary nonpolyposis, type 7. Identifiers: Orphanet 144, MedGen C1858380, MONDO:0013725, OMIM 614385.

Allele frequency attached by ClinVar (database versions not stated): gnomAD exomes below 0.00001.
gnomAD v4.1: 2 of 1,614,086 alleles (0.00012%); highest among the groups gnomAD compares: South Asian, 0.0011%; no homozygotes.

Submissions (2):

Ambry Genetics
Classification: Uncertain significance. Last evaluated: 2025-07-03. Review status: criteria provided, single submitter. Criteria: Ambry Variant Classification Scheme 2023. Collection method: clinical testing. Allele origin: germline.
Comment: The p.I1238V variant (also known as c.3712A>G), located in coding exon 6 of the MLH3 gene, results from an A to G substitution at nucleotide position 3712. The isoleucine at codon 1238 is replaced by valine, an amino acid with highly similar properties. This amino acid position is conserved. In addition, this alteration is predicted to be tolerated by in silico analysis. Based on the available evidence, the clinical significance of this variant remains unclear.

Labcorp Genetics (formerly Invitae), Labcorp
Classification: Uncertain significance for Colorectal cancer, hereditary nonpolyposis, type 7. Last evaluated: 2021-07-17. Review status: criteria provided, single submitter. Criteria: Invitae Variant Classification Sherloc (09022015). Collection method: clinical testing. Allele origin: germline.
Comment: This sequence change replaces isoleucine with valine at codon 1238 of the MLH3 protein (p.Ile1238Val). The isoleucine residue is weakly conserved and there is a small physicochemical difference between isoleucine and valine. This variant is not present in population databases (ExAC no frequency). This variant has not been reported in the literature in individuals affected with MLH3-related conditions. Algorithms developed to predict the effect of missense changes on protein structure and function output the following: SIFT: "Tolerated"; PolyPhen-2: "Benign"; Align-GVGD: "Class C0". The valine amino acid residue is found in multiple mammalian species, which suggests that this missense change does not adversely affect protein function. In summary, the available evidence is currently insufficient to determine the role of this variant in disease. Therefore, it has been classified as a Variant of Uncertain Significance.

NM_001040108.2(MLH3):c.3712A>G (p.Ile1238Val)

Gene: MLH3 (mutL homolog 3; minus strand). Cytogenetic location: 14q24.3.
Variant type: single nucleotide variant.
Coding change: c.3712A>G on transcript NM_001040108.2 (MANE Select); coding-DNA position 3712, A replaced by G.
Protein change: p.Ile1238Val; replaces isoleucine 1238 with valine.
Molecular consequence: missense variant. On other transcripts: intron variant (1).
Genome position (GRCh38, 1-based): chr14:75,033,422, T>C on the plus strand (A>G on the coding strand, the complement: MLH3 is on the minus strand). VCF-style: chr14-75033422-T-C. GRCh37 (hg19) VCF-style: chr14-75500125-T-C.
Other names: c.3644-1243A>G (NM_014381.3); c.3712A>G (NM_001040108.1); short protein forms I1238V.
Identifiers: ClinVar variation 1478002 (VCV001478002.9), dbSNP rs2139412376, ClinGen allele CA390425247.